The following is an entry in ClinVar:

NM_004385.5(VCAN):c.5464A>G (p.Thr1822Ala)

Genes: VCAN (versican; plus strand), VCAN-AS1 (VCAN antisense RNA 1; minus strand). Cytogenetic location: 5q14.3.
Variant type: single nucleotide variant.
Coding change: c.5464A>G on transcript NM_004385.5 (MANE Select); coding-DNA position 5464, A replaced by G.
Protein change: p.Thr1822Ala; replaces threonine 1822 with alanine.
Molecular consequence: missense variant. On other transcripts: intron variant (2).
Genome position (GRCh38, 1-based): chr5:83,538,467, A>G. VCF-style: chr5-83538467-A-G. GRCh37 (hg19) VCF-style: chr5-82834286-A-G.
Other names: c.2503A>G, p.Thr835Ala (NM_001164097.2); c.4004-7070A>G (NM_001164098.2); c.1043-7070A>G (NM_001126336.3); short protein forms T1822A, T835A.
Identifiers: ClinVar variation 1009663 (VCV001009663.8), dbSNP rs1192830204, ClinGen allele CA360310471.

ClinVar aggregate classification (germline): Uncertain significance (1 of 4 stars; one submission).

Allele frequency attached by ClinVar (database versions not stated): gnomAD exomes below 0.00001.
gnomAD v4.1: 1 of 1,613,982 alleles (0.000062%); highest among the groups gnomAD compares: Non-Finnish European, 0.000085%; no homozygotes.

Submission:

Labcorp Genetics (formerly Invitae), Labcorp
Classification: Uncertain significance. Last evaluated: 2024-01-19. Review status: criteria provided, single submitter. Criteria: Invitae Variant Classification Sherloc (09022015). Collection method: clinical testing. Allele origin: germline.
Comment: This sequence change replaces threonine, which is neutral and polar, with alanine, which is neutral and non-polar, at codon 1822 of the VCAN protein (p.Thr1822Ala). This variant is not present in population databases (gnomAD no frequency). This variant has not been reported in the literature in individuals affected with VCAN-related conditions. ClinVar contains an entry for this variant (Variation ID: 1009663). Algorithms developed to predict the effect of missense changes on protein structure and function output the following: SIFT: "Not Available"; PolyPhen-2: "Benign"; Align-GVGD: "Not Available". The alanine amino acid residue is found in multiple mammalian species, which suggests that this missense change does not adversely affect protein function. In summary, the available evidence is currently insufficient to determine the role of this variant in disease. Therefore, it has been classified as a Variant of Uncertain Significance.